The following is an entry in ClinVar:

ClinVar aggregate classification (germline): Conflicting classifications of pathogenicity. Review status: criteria provided, conflicting classifications (1 of 4 stars). 3 submissions from 3 submitters: Likely pathogenic (1); Uncertain significance (2). Last evaluated 2025-09-15.

Conditions:
TTN-related disorder. Also called: TTN-related disorders; TTN-related condition; TTN-related disease.
Dilated cardiomyopathy 1G (CMD1G). Identifiers: Orphanet 154, MedGen C1858763, MONDO:0011400, OMIM 604145.
Autosomal recessive limb-girdle muscular dystrophy type 2J (LGMDR10). Also called: Limb-girdle muscular dystrophy, type 2J; MUSCULAR DYSTROPHY, LIMB-GIRDLE, AUTOSOMAL RECESSIVE 10. Identifiers: Orphanet 140922, MedGen C1837342, MONDO:0012127, OMIM 608807.
Early-onset myopathy with fatal cardiomyopathy (CMYO5). Also called: CONGENITAL MYOPATHY 5 WITH CARDIOMYOPATHY; Salih Myopathy. Identifiers: Orphanet 289377, MedGen C2673677, MONDO:0012714, OMIM 611705. Disease mechanism: loss of function.
Tibial muscular dystrophy (TMD). Also called: Udd Distal Myopathy – Tibial Muscular Dystrophy; Tibial muscular dystrophy, tardive; UDD MYOPATHY. Identifiers: Orphanet 609, MedGen C1838244, MONDO:0010870, OMIM 600334.
Hypertrophic cardiomyopathy 9. Also called: Familial hypertrophic cardiomyopathy 9. Identifiers: MedGen C1861065, MONDO:0013412, OMIM 613765.
Myopathy, myofibrillar, 9, with early respiratory failure (MFM9). Also called: EDSTROM MYOPATHY; MYOPATHY, PROXIMAL, WITH EARLY RESPIRATORY MUSCLE INVOLVEMENT; Hereditary myopathy with early respiratory failure; Myopathy, distal, with early respiratory failure, autosomal dominant. Identifiers: Orphanet 178464, Orphanet 34521, MedGen C1863599, MONDO:0011362, OMIM 603689.

Allele frequency attached by ClinVar (database versions not stated): gnomAD exomes 0.00001 and 0.00007; gnomAD 0.00002 and 0.00005; TOPMed 0.00003; ExAC 0.00008; 1000 Genomes Project 30x 0.00047; 1000 Genomes Project 0.00060.
gnomAD v4.1: 29 of 1,613,730 alleles (0.0018%); highest among the groups gnomAD compares: East Asian, 0.062%; no homozygotes.

Submissions (3):

PreventionGenetics, part of Exact Sciences
Classification: Uncertain significance for TTN-related condition. Last evaluated: 2025-09-15. Review status: criteria provided, single submitter. Criteria: ACMG Guidelines, 2015. Collection method: clinical testing. Allele origin: germline.
Comment: The TTN c.10840G>T variant is predicted to result in premature protein termination (p.Glu3614*). This variant is located in exon 44 of the Novex-2 transcript (NM_133437, minor cardiac short isoform) and is also included in the meta-transcript (NM_001267550.2). However, no other TTN transcripts include this exon and this variant would be deep intronic in these alternate transcripts. This exon is not constitutively expressed, indicating this variant is less likely to be causative for autosomal dominant disorders (PSI=4%; Roberts et al. 2015. PubMed ID: 25589632). This variant has been reported in individuals with hypertrophic cardiomyopathy, dilated cardiomyopathy, and in controls (Table S2, Zhang et al. 2017. PubMed ID: 28822653; Table S3, Lian et al. 2023. PubMed ID: 37461109; Kwok et al. 2024. PubMed ID: 38958565). This variant is reported in 0.10% of alleles in individuals of East Asian descent in gnomAD. At this time, the clinical significance of this variant is uncertain due to the absence of conclusive functional and genetic evidence.

Labcorp Genetics (formerly Invitae), Labcorp
Classification: Uncertain significance for Dilated cardiomyopathy 1G; Autosomal recessive limb-girdle muscular dystrophy type 2J. Last evaluated: 2018-04-25. Review status: criteria provided, single submitter. Criteria: Invitae Variant Classification Sherloc (09022015). Collection method: clinical testing. Allele origin: germline.
Comment: This variant is located in the I band of TTN (PMID: 25589632). Truncating variants in this region have been shown to be highly prevalent in the general population and unaffected individuals (PMID: 26701604, 22335739). However, truncating variants in this region have also been reported in individuals affected with autosomal recessive centronuclear myopathy (PMID: 23975875). In summary, the available evidence is currently insufficient to determine the role of this variant in disease. Therefore, it has been classified as a Variant of Uncertain Significance. This variant has been reported in the literature in a control individual (PMID: 28822653). ClinVar contains an entry for this variant (Variation ID: 466777). This variant is present in population databases (rs540059730, ExAC 0.1%), and has an allele count higher than expected for a pathogenic variant (PMID: 28166811). This sequence change results in a premature translational stop signal in the TTN gene (p.Glu3614*). While this is not anticipated to result in nonsense mediated decay, it is expected to create a truncated TTN protein.

Juno Genomics, Hangzhou Juno Genomics, Inc
Classification: Likely pathogenic for Hypertrophic cardiomyopathy 9; Myopathy, myofibrillar, 9, with early respiratory failure; Tibial muscular dystrophy; Early-onset myopathy with fatal cardiomyopathy; Dilated cardiomyopathy 1G; Autosomal recessive limb-girdle muscular dystrophy type 2J. Review status: criteria provided, single submitter. Criteria: ACMG Guidelines, 2015. Collection method: clinical testing. Allele origin: germline.
Comment: Null variant in a gene where loss of function (LOF) is a known mechanism of disease.;Absent from controls (or at extremely low frequency if recessive) in Genome Aggregation Database.

Literature cited by the submitters: PubMed 25589632 (cited by Labcorp Genetics (formerly Invitae), Labcorp); PubMed 26701604 (cited by Labcorp Genetics (formerly Invitae), Labcorp); PubMed 22335739 (cited by Labcorp Genetics (formerly Invitae), Labcorp); PubMed 23975875 (cited by Labcorp Genetics (formerly Invitae), Labcorp); PubMed 28822653 (cited by Labcorp Genetics (formerly Invitae), Labcorp); PubMed 28166811 (cited by Labcorp Genetics (formerly Invitae), Labcorp).

NM_001267550.2(TTN):c.10840G>T (p.Glu3614Ter)

Gene: TTN (titin; minus strand). Cytogenetic location: 2q31.2.
Variant type: single nucleotide variant.
Coding change: c.10840G>T on transcript NM_001267550.2 (MANE Select); coding-DNA position 10840, G replaced by T.
Protein change: p.Glu3614Ter; replaces glutamic acid 3614 with a stop codon.
Molecular consequence: nonsense. On other transcripts: intron variant (5).
Genome position (GRCh38, 1-based): chr2:178,756,636, C>A on the plus strand (G>T on the coding strand, the complement: TTN is on the minus strand). VCF-style: chr2-178756636-C-A. GRCh37 (hg19) VCF-style: chr2-179621363-C-A.
Other names: c.10327G>T, p.Glu3443Ter (NM_133437.4); c.10165+2348G>T (NM_003319.4); c.10540+906G>T (NM_133432.3); c.10303+2348G>T (NM_133378.4, NM_001256850.1, NM_133379.5); short protein forms E3614*, E3443*.
Identifiers: ClinVar variation 466777 (VCV000466777.8), dbSNP rs540059730, ClinGen allele CA2004026.
Genomic context (GRCh38, chr2:178,756,636, plus strand): 5'-GGCACAACTGTGTATCTTGAACAGATGCAGCTGTGTGGATGGAACTTTGAGATACACTTT[C>A]AAAAACCTGCACTTCATATTCATATGATGATCCTTGAAATGACTTAATTTCCTTTTGAGA-3'